The following is an entry in ClinVar:

ClinVar aggregate classification (germline): Likely benign (1 of 4 stars; one submission).

Allele frequency attached by ClinVar (database versions not stated): ExAC 0.00002; TOPMed 0.00002; gnomAD 0.00003.
gnomAD v4.1: 21 of 1,613,904 alleles (0.0013%); highest among the groups gnomAD compares: East Asian, 0.0045%; no homozygotes.

Submission:

CeGaT Center for Human Genetics Tuebingen
Classification: Likely benign. Last evaluated: 2022-07-01. Review status: criteria provided, single submitter. Criteria: CeGaT Center For Human Genetics Tuebingen Variant Classification Criteria Version 2. Collection method: clinical testing. Allele origin: germline. Affected: yes. Observed: 1 variant allele.
Comment: YTHDF1: BP4, BP7

NM_017798.4(YTHDF1):c.1023C>T (p.Ser341=)

Gene: YTHDF1 (YTH N6-methyladenosine RNA binding protein F1; minus strand). Cytogenetic location: 20q13.33.
Variant type: single nucleotide variant.
Coding change: c.1023C>T on transcript NM_017798.4 (MANE Select); coding-DNA position 1023, C replaced by T.
Protein change: p.Ser341=; no amino-acid change (serine 341 retained).
Molecular consequence: synonymous variant.
Genome position (GRCh38, 1-based): chr20:63,202,917, G>A on the plus strand (C>T on the coding strand, the complement: YTHDF1 is on the minus strand). VCF-style: chr20-63202917-G-A. GRCh37 (hg19) VCF-style: chr20-61834269-G-A.
Identifiers: ClinVar variation 2652517 (VCV002652517.24), dbSNP rs769739642, ClinGen allele CA9953636.